The following is an entry in ClinVar:

ClinVar aggregate classification (germline): Conflicting classifications of pathogenicity. Review status: criteria provided, conflicting classifications (1 of 4 stars). 5 submissions from 5 submitters: Uncertain significance (3); Likely benign (1). 1 of the submissions does not count toward it. Last evaluated 2023-08-02.

Conditions:
Infantile cerebral and cerebellar atrophy with postnatal progressive microcephaly (MSBA). Identifiers: Orphanet 402364, MedGen C3150921, MONDO:0013351, OMIM 613668.
Inborn genetic diseases. Identifiers: MedGen C0950123, MeSH D030342.

Allele frequency attached by ClinVar (database versions not stated): TOPMed 0.00014; ESP Exome Variant Server 0.00015; 1000 Genomes Project 0.00020; 1000 Genomes Project 30x 0.00031.

Submissions (6):

Ambry Genetics
Classification: Likely benign for Inborn genetic diseases. Last evaluated: 2023-08-02. Review status: criteria provided, single submitter. Criteria: Ambry Variant Classification Scheme 2023. Collection method: clinical testing. Allele origin: germline.

Labcorp Genetics (formerly Invitae), Labcorp
Classification: Uncertain significance. Last evaluated: 2022-11-01. Review status: criteria provided, single submitter. Criteria: Invitae Variant Classification Sherloc (09022015). Collection method: clinical testing. Allele origin: germline.
Comment: This sequence change replaces serine, which is neutral and polar, with cysteine, which is neutral and slightly polar, at codon 254 of the MED17 protein (p.Ser254Cys). This variant is present in population databases (rs369349413, gnomAD 0.07%). This variant has not been reported in the literature in individuals affected with MED17-related conditions. ClinVar contains an entry for this variant (Variation ID: 990612). Advanced modeling of protein sequence and biophysical properties (such as structural, functional, and spatial information, amino acid conservation, physicochemical variation, residue mobility, and thermodynamic stability) performed at Invitae indicates that this missense variant is not expected to disrupt MED17 protein function. In summary, the available evidence is currently insufficient to determine the role of this variant in disease. Therefore, it has been classified as a Variant of Uncertain Significance.

Revvity Omics, Revvity
Classification: Uncertain significance for Infantile cerebral and cerebellar atrophy with postnatal progressive microcephaly. Last evaluated: 2021-04-21. Review status: criteria provided, single submitter. Criteria: ACMG Guidelines, 2015. Collection method: clinical testing. Allele origin: germline.

Breakthrough Genomics
Classification: Uncertain significance. Review status: criteria provided, single submitter. Criteria: ACMG Guidelines, 2015. Collection method: not provided. Allele origin: germline. Inheritance: Autosomal recessive inheritance. Affected: yes.

Natera, Inc.
Classification: Uncertain significance for Postnatal progressive microcephaly with seizures and brain atrophy. Last evaluated: 2020-04-17. Review status: no assertion criteria provided. Collection method: clinical testing. Allele origin: germline. Not counted in ClinVar's aggregate classification.

Dr. Peter K. Rogan Lab, Western University
No classification provided (evidence only). Condition: Uterine corpus endometrial carcinoma. Review status: no classification provided. Collection method: in vitro. Allele origin: not applicable. Functional consequence: retained intron. Not counted in ClinVar's aggregate classification.

NM_004268.5(MED17):c.761C>G (p.Ser254Cys)

Gene: MED17 (mediator complex subunit 17; plus strand). Cytogenetic location: 11q21.
Variant type: single nucleotide variant.
Coding change: c.761C>G on transcript NM_004268.5 (MANE Select); coding-DNA position 761, C replaced by G.
Protein change: p.Ser254Cys; replaces serine 254 with cysteine.
Molecular consequence: missense variant.
Genome position (GRCh38, 1-based): chr11:93,793,851, C>G. VCF-style: chr11-93793851-C-G. GRCh37 (hg19) VCF-style: chr11-93527017-C-G.
Other names: c.761C>G (NM_004268.4); short protein forms S254C.
Identifiers: ClinVar variation 990612 (VCV000990612.9), dbSNP rs369349413, ClinGen allele CA6232401.